The following is an entry in ClinVar:

ClinVar aggregate classification (germline): Uncertain significance (1 of 4 stars; one submission).

Allele frequency attached by ClinVar (database versions not stated): TOPMed below 0.00001; gnomAD 0.00001; ExAC 0.00002.
gnomAD v4.1: 40 of 1,613,928 alleles (0.0025%); highest among the groups gnomAD compares: East Asian, 0.089%; no homozygotes.

Submissions (2):

Labcorp Genetics (formerly Invitae), Labcorp
Classification: Uncertain significance. Last evaluated: 2022-03-31. Review status: criteria provided, single submitter. Criteria: Invitae Variant Classification Sherloc (09022015). Collection method: clinical testing. Allele origin: germline.
Comment: In summary, the available evidence is currently insufficient to determine the role of this variant in disease. Therefore, it has been classified as a Variant of Uncertain Significance. Algorithms developed to predict the effect of missense changes on protein structure and function (SIFT, PolyPhen-2, Align-GVGD) all suggest that this variant is likely to be tolerated. This variant has not been reported in the literature in individuals affected with FNIP1-related conditions. This variant is present in population databases (rs756350752, gnomAD 0.02%). This sequence change replaces asparagine, which is neutral and polar, with serine, which is neutral and polar, at codon 877 of the FNIP1 protein (p.Asn877Ser).

Dr. Peter K. Rogan Lab, Western University
No classification provided (evidence only). Condition: Gastric cancer. Review status: no classification provided. Collection method: in vitro. Allele origin: not applicable. Functional consequence: retained intron. Not counted in ClinVar's aggregate classification.

NM_133372.3(FNIP1):c.2630A>G (p.Asn877Ser)

Gene: FNIP1 (folliculin interacting protein 1; minus strand). Cytogenetic location: 5q31.1.
Variant type: single nucleotide variant.
Coding change: c.2630A>G on transcript NM_133372.3 (MANE Select); coding-DNA position 2630, A replaced by G.
Protein change: p.Asn877Ser; replaces asparagine 877 with serine.
Molecular consequence: missense variant.
Genome position (GRCh38, 1-based): chr5:131,671,814, T>C on the plus strand (A>G on the coding strand, the complement: FNIP1 is on the minus strand). VCF-style: chr5-131671814-T-C. GRCh37 (hg19) VCF-style: chr5-131007507-T-C.
Other names: c.2546A>G, p.Asn849Ser (NM_001008738.3); c.2495A>G, p.Asn832Ser (NM_001346114.2); short protein forms N877S, N849S, N832S.
Identifiers: ClinVar variation 2101001 (VCV002101001.5), dbSNP rs756350752, ClinGen allele CA3400488.